The following is an entry in ClinVar:

ClinVar aggregate classification (germline): Uncertain significance (1 of 4 stars; one submission).

Submission:

GeneDx
Classification: Uncertain significance. Last evaluated: 2024-04-10. Review status: criteria provided, single submitter. Criteria: GeneDx Variant Classification Process June 2021. Collection method: clinical testing. Allele origin: germline. Affected: yes.
Comment: Not observed at significant frequency in large population cohorts (gnomAD); In silico analysis indicates that this missense variant does not alter protein structure/function; Has not been previously published as pathogenic or benign to our knowledge; Occurs in the triple helical domain at the Y position in the canonical Gly-X-Y repeat; although this variant may have an effect on normal protein folding and function, missense substitution at the Y position is not a common mechanism of disease

NM_033380.3(COL4A5):c.1270C>T (p.Leu424Phe)

Gene: COL4A5 (collagen type IV alpha 5 chain; plus strand). Cytogenetic location: Xq22.3.
Variant type: single nucleotide variant.
Coding change: c.1270C>T on transcript NM_033380.3 (MANE Select); coding-DNA position 1270, C replaced by T.
Protein change: p.Leu424Phe; replaces leucine 424 with phenylalanine.
Molecular consequence: missense variant.
Genome position (GRCh38, 1-based): chrX:108,591,162, C>T. VCF-style: chrX-108591162-C-T. GRCh37 (hg19) VCF-style: chrX-107834392-C-T.
Other names: c.1270C>T, p.Leu424Phe (NM_000495.5); short protein forms L424F.
Identifiers: ClinVar variation 3372277 (VCV003372277.1).